The following is an entry in ClinVar:

NM_001048174.2(MUTYH):c.115+4A>G

Gene: MUTYH (mutY DNA glycosylase; minus strand). Cytogenetic location: 1p34.1.
Variant type: single nucleotide variant.
Coding change: c.115+4A>G on transcript NM_001048174.2 (MANE Select); 4 bases into the intron after coding-DNA position 115, A replaced by G.
Molecular consequence: intron variant.
Genome position (GRCh38, 1-based): chr1:45,334,387, T>C on the plus strand (A>G on the coding strand, the complement: MUTYH is on the minus strand). VCF-style: chr1-45334387-T-C. GRCh37 (hg19) VCF-style: chr1-45800059-T-C.
Other names: c.-93+4A>G (NM_001350651.2); c.-98+4A>G (NM_001293192.2, NM_001293196.2); c.-157+4A>G (NM_001350650.2); c.115+4A>G (NM_001048171.2, NM_001048173.2, NM_001048172.2 and 2 more transcripts); c.157+4A>G (NM_001293190.2, NM_012222.3, NM_001128425.2).
Identifiers: ClinVar variation 1775495 (VCV001775495.2), dbSNP rs2524349266, ClinGen allele CA2580063290.

ClinVar aggregate classification (germline): Uncertain significance (1 of 4 stars; one submission).

Conditions:
Hereditary cancer-predisposing syndrome. Also called: Neoplastic Syndromes, Hereditary; Tumor predisposition; Hereditary Cancer Syndrome; Hereditary neoplastic syndrome. Identifiers: Orphanet 140162, MedGen C0027672, MeSH D009386, MONDO:0015356.

Allele frequency attached by ClinVar (database versions not stated): gnomAD exomes below 0.00001.
gnomAD v4.1: 1 of 1,614,054 alleles (0.000062%); highest among the groups gnomAD compares: Non-Finnish European, 0.000085%; no homozygotes.

Submission:

Ambry Genetics
Classification: Uncertain significance for Hereditary cancer-predisposing syndrome. Last evaluated: 2022-05-06. Review status: criteria provided, single submitter. Criteria: Ambry Variant Classification Scheme 2023. Collection method: clinical testing. Allele origin: germline.
Comment: The c.157+4A>G intronic variant results from an A to G substitution 4 nucleotides after coding exon 2 in the MUTYH gene. This nucleotide position is highly conserved in available vertebrate species. In silico splice site analysis predicts that this alteration will not have any significant effect on splicing. Since supporting evidence is limited at this time, the clinical significance of this alteration remains unclear.